The following is an entry in ClinVar:

ClinVar aggregate classification (germline): Pathogenic (1 of 4 stars; one submission).

Conditions:
Nonsyndromic genetic hearing loss. Also called: Non-syndromic genetic deafness; Nonsyndromic hearing loss and deafness; Nonsyndromic genetic deafness. Identifiers: Orphanet 87884, MedGen C5680182, MONDO:0019497.

Allele frequency attached by ClinVar (database versions not stated): gnomAD exomes below 0.00001.
gnomAD v4.1: 1 of 1,613,434 alleles (0.000062%); highest among the groups gnomAD compares: Non-Finnish European, 0.000085%; no homozygotes.

Submission:

INGEBI, INGEBI / CONICET
Classification: Pathogenic for Nonsyndromic genetic hearing loss. Last evaluated: 2021-07-15. Review status: criteria provided, single submitter. Criteria: ClinGen HL ACMG Specifications v1. Collection method: clinical testing. Allele origin: germline. Inheritance: Autosomal dominant inheritance. Affected: yes. Observed: 2 variant alleles, 2 heterozygotes. Clinical features observed: Postlingual moderate bilateral hearing loss.
Comment: Based on ACMG/AMP guidelines and Hearing Loss Expert Panel specific criteria: The c.580+2T>C variant in EYA4 gene is absent from population databases meeting PM2. This type of variant is predicted to generate a lost of the donor splicing site in EYA4 gene , which is a known mechanism of disease, PVS1. Considering PM2, PVS1 and PP1_Sup the variant is classfied as Pathogenic for autosomal dominant non-syndromic hearing loss.

NM_004100.5(EYA4):c.580+2T>C

Gene: EYA4 (EYA transcriptional coactivator and phosphatase 4; plus strand). Cytogenetic location: 6q23.2.
Variant type: single nucleotide variant.
Coding change: c.580+2T>C on transcript NM_004100.5 (MANE Select); the canonical splice donor site of the intron after coding-DNA position 580, T replaced by C.
Molecular consequence: splice donor variant.
Genome position (GRCh38, 1-based): chr6:133,462,479, T>C. VCF-style: chr6-133462479-T-C. GRCh37 (hg19) VCF-style: chr6-133783617-T-C.
Other names: c.580+2T>C (NM_001301013.2, NM_172105.4); c.511+2T>C (NM_001370458.1, NM_172103.4); c.418+2T>C (NM_001370459.1, NM_001301012.2).
Identifiers: ClinVar variation 1185589 (VCV001185589.2), dbSNP rs2128658900, ClinGen allele CA365698594.